The following is an entry in ClinVar:

ClinVar aggregate classification (germline): Uncertain significance. Review status: criteria provided, multiple submitters, no conflicts (2 of 4 stars). 2 submissions from 2 submitters: Uncertain significance (2). Last evaluated 2026-07-29.

Allele frequency attached by ClinVar (database versions not stated): gnomAD 0.00001; TOPMed 0.00002.
gnomAD v4.1: 8 of 1,571,228 alleles (0.00051%); highest among the groups gnomAD compares: Non-Finnish European, 0.00069%; no homozygotes.

Submissions (2):

GeneDx
Classification: Uncertain significance. Last evaluated: 2026-07-29. Review status: criteria provided, single submitter. Criteria: GeneDx Variant Classification Process June 2021. Collection method: clinical testing. Allele origin: germline.
Comment: Not observed at significant frequency in large population cohorts (gnomAD); In silico analysis supports that this missense variant has a deleterious effect on protein structure/function; Has not been previously published as pathogenic or benign to our knowledge

Labcorp Genetics (formerly Invitae), Labcorp
Classification: Uncertain significance. Last evaluated: 2025-09-18. Review status: criteria provided, single submitter. Criteria: Invitae Variant Classification Sherloc (09022015). Collection method: clinical testing. Allele origin: germline.
Comment: This sequence change replaces serine, which is neutral and polar, with tyrosine, which is neutral and polar, at codon 1197 of the TONSL protein (p.Ser1197Tyr). This variant is present in population databases (no rsID available, gnomAD 0.001%). This variant has not been reported in the literature in individuals affected with TONSL-related conditions. ClinVar contains an entry for this variant (Variation ID: 2501829). Invitae Evidence Modeling of protein sequence and biophysical properties (such as structural, functional, and spatial information, amino acid conservation, physicochemical variation, residue mobility, and thermodynamic stability) indicates that this missense variant is expected to disrupt TONSL protein function with a positive predictive value of 80%. In summary, the available evidence is currently insufficient to determine the role of this variant in disease. Therefore, it has been classified as a Variant of Uncertain Significance.

NM_013432.5(TONSL):c.3590C>A (p.Ser1197Tyr)

Gene: TONSL (tonsoku like, DNA repair protein; minus strand). Cytogenetic location: 8q24.3.
Variant type: single nucleotide variant.
Coding change: c.3590C>A on transcript NM_013432.5 (MANE Select); coding-DNA position 3590, C replaced by A.
Protein change: p.Ser1197Tyr; replaces serine 1197 with tyrosine.
Molecular consequence: missense variant.
Genome position (GRCh38, 1-based): chr8:144,432,430, G>T on the plus strand (C>A on the coding strand, the complement: TONSL is on the minus strand). VCF-style: chr8-144432430-G-T. GRCh37 (hg19) VCF-style: chr8-145657813-G-T.
Other names: short protein forms S1197Y.
Identifiers: ClinVar variation 2501829 (VCV002501829.3), dbSNP rs782452422, ClinGen allele CA372642179.
Genomic context (GRCh38, chr8:144,432,430, plus strand): 5'-GTGCCGGCGGGCAGGCTCTGCAGGGTCCTGGCCAGGGCAGGGGCTCCCAGGGCGTTGTAG[G>T]ACAGGGACAGGGTCTTCAGGTGCTCAGCATCTGCACCGGGGCCAGAATCCGTCAGCCCCA-3'
Protein context (NP_038460.4, residues 1187-1207): DAEHLKTLSL[Ser1197Tyr]YNALGAPALA